The following is an entry in ClinVar:

ClinVar aggregate classification (germline): Uncertain significance (1 of 4 stars; one submission).

Submission:

Labcorp Genetics (formerly Invitae), Labcorp
Classification: Uncertain significance. Last evaluated: 2022-08-20. Review status: criteria provided, single submitter. Criteria: Invitae Variant Classification Sherloc (09022015). Collection method: clinical testing. Allele origin: germline.
Comment: A copy number gain of the genomic region encompassing the full coding sequence of the UPB1 gene has been identified. The boundaries of this event are unknown as they extend beyond the assayed region for this gene and therefore may encompass additional genes. As the precise location of this event is unknown, it may be in tandem or it may be located elsewhere in the genome. This variant has not been reported in the literature in individuals affected with UPB1-related conditions. Experimental studies and prediction algorithms are not available or were not evaluated, and the functional significance of this variant is currently unknown. In summary, the available evidence is currently insufficient to determine the role of this variant in disease. Therefore, it has been classified as a Variant of Uncertain Significance.

NC_000022.10:g.(?_24829373)_(24921762_?)dup

Genes: ADORA2A (adenosine A2a receptor; plus strand), UPB1 (beta-ureidopropionase 1; plus strand). Cytogenetic location: 22q11.23.
Variant type: Duplication.
Identifiers: ClinVar variation 2426291 (VCV002426291.3).